The following is an entry in ClinVar:

ClinVar aggregate classification (germline): Likely benign. Review status: criteria provided, multiple submitters, no conflicts (2 of 4 stars). 4 submissions from 4 submitters: Likely benign (4). Last evaluated 2025-12-01.

Allele frequency attached by ClinVar (database versions not stated): gnomAD 0.00003 and 0.00004; TOPMed 0.00005; ExAC 0.00007; gnomAD exomes 0.00007 and 0.00009; ESP Exome Variant Server 0.00015.
gnomAD v4.1: 135 of 1,614,040 alleles (0.0084%); highest among the groups gnomAD compares: Non-Finnish European, 0.0092%; no homozygotes.

Submissions (4):

CeGaT Center for Human Genetics Tuebingen
Classification: Likely benign. Last evaluated: 2025-12-01. Review status: criteria provided, single submitter. Criteria: CeGaT Center For Human Genetics Tuebingen Variant Classification Criteria Version 2. Collection method: clinical testing. Allele origin: germline. Affected: yes. Observed: 2 variant alleles.
Comment: COX15: BP7

Blueprint Genetics
Classification: Likely benign. Last evaluated: 2024-04-29. Review status: criteria provided, single submitter. Criteria: ACMG Guidelines, 2015. Collection method: clinical testing. Allele origin: germline.

Labcorp Genetics (formerly Invitae), Labcorp
Classification: Likely benign. Last evaluated: 2024-01-27. Review status: criteria provided, single submitter. Criteria: Invitae Variant Classification Sherloc (09022015). Collection method: clinical testing. Allele origin: germline.

Women's Health and Genetics/Laboratory Corporation of America, LabCorp
Classification: Likely benign. Last evaluated: 2019-08-28. Review status: criteria provided, single submitter. Criteria: LabCorp Variant Classification Summary - May 2015. Collection method: clinical testing. Allele origin: germline.

NM_078470.6(COX15):c.135C>T (p.Thr45=)

Gene: COX15 (cytochrome c oxidase assembly factor COX15; minus strand). Cytogenetic location: 10q24.2.
Variant type: single nucleotide variant.
Coding change: c.135C>T on transcript NM_078470.6 (MANE Select); coding-DNA position 135, C replaced by T.
Protein change: p.Thr45=; no amino-acid change (threonine 45 retained).
Molecular consequence: synonymous variant. On other transcripts: 5 prime UTR variant (1), non-coding transcript variant (1).
Genome position (GRCh38, 1-based): chr10:99,729,690, G>A on the plus strand (C>T on the coding strand, the complement: COX15 is on the minus strand). VCF-style: chr10-99729690-G-A. GRCh37 (hg19) VCF-style: chr10-101489447-G-A.
Other names: c.135C>T, p.Thr45= (NM_001320974.2, NM_001320975.2, NM_001372024.1 and 5 more transcripts); c.-320C>T (NM_001320976.2).
Identifiers: ClinVar variation 632778 (VCV000632778.38), dbSNP rs373219878, ClinGen allele CA5642348.
Genomic context (GRCh38, chr10:99,729,690, plus strand): 5'-AGCAGCCTTTGAGGGAAGGGACACTGTACCCCTTCCAGATTGCAAAGCTACTTCAGAGAT[G>A]GTGCTGTATTGCCCTGGCCTCAAAGGGCGCCTGATGCAATCACACTAAAGATCAAGATAG-3'
Protein context (NP_510870.1, residues 35-55): RRPLRPGQYS[Thr45=]ISEVALQSGR